The following is an entry in ClinVar:

NM_000878.5(IL2RB):c.375G>C (p.Lys125Asn)

Gene: IL2RB (interleukin 2 receptor subunit beta; minus strand). Cytogenetic location: 22q12.3.
Variant type: single nucleotide variant.
Coding change: c.375G>C on transcript NM_000878.5 (MANE Select); coding-DNA position 375, G replaced by C.
Protein change: p.Lys125Asn; replaces lysine 125 with asparagine.
Molecular consequence: missense variant.
Genome position (GRCh38, 1-based): chr22:37,139,130, C>G on the plus strand (G>C on the coding strand, the complement: IL2RB is on the minus strand). VCF-style: chr22-37139130-C-G. GRCh37 (hg19) VCF-style: chr22-37535170-C-G.
Other names: c.375G>C, p.Lys125Asn (NM_001346222.1, NM_001346223.2); short protein forms K125N.
Identifiers: ClinVar variation 1377403 (VCV001377403.6), dbSNP rs2146239071, ClinGen allele CA411428559.

ClinVar aggregate classification (germline): Uncertain significance (1 of 4 stars; one submission).

Submission:

Labcorp Genetics (formerly Invitae), Labcorp
Classification: Uncertain significance. Last evaluated: 2021-08-24. Review status: criteria provided, single submitter. Criteria: Invitae Variant Classification Sherloc (09022015). Collection method: clinical testing. Allele origin: germline.
Comment: Algorithms developed to predict the effect of missense changes on protein structure and function (SIFT, PolyPhen-2, Align-GVGD) all suggest that this variant is likely to be tolerated. In summary, the available evidence is currently insufficient to determine the role of this variant in disease. Therefore, it has been classified as a Variant of Uncertain Significance. This variant has not been reported in the literature in individuals affected with IL2RB-related conditions. This variant is not present in population databases (ExAC no frequency). This sequence change replaces lysine with asparagine at codon 125 of the IL2RB protein (p.Lys125Asn). The lysine residue is moderately conserved and there is a moderate physicochemical difference between lysine and asparagine.